The following is an entry in ClinVar:

NC_000001.10:g.(?_155271067)_(155271280_?)del

Gene: PKLR (pyruvate kinase L/R; minus strand). Cytogenetic location: 1q22.
Variant type: Deletion.
Identifiers: ClinVar variation 2422833 (VCV002422833.4).

ClinVar aggregate classification (germline): Pathogenic (1 of 4 stars; one submission).

Submission:

Labcorp Genetics (formerly Invitae), Labcorp
Classification: Pathogenic. Last evaluated: 2022-09-21. Review status: criteria provided, single submitter. Criteria: Invitae Variant Classification Sherloc (09022015). Collection method: clinical testing. Allele origin: germline.
Comment: For these reasons, this variant has been classified as Pathogenic. This variant has not been reported in the literature in individuals affected with PKLR-related conditions. This variant is a gross deletion of the genomic region encompassing exon(s) 1 of the PKLR gene, which includes the initiator codon. This deletion extends beyond the assayed region for this gene and therefore may encompass additional genes. It is expected to result in an absent or disrupted protein product. Loss-of-function variants in PKLR are known to be pathogenic (PMID: 15953013, 26832193).

Literature cited by the submitters: PubMed 15953013; PubMed 26832193.